The following is an entry in ClinVar:

ClinVar aggregate classification (germline): Benign (1 of 4 stars; one submission).

Conditions:
SHANK3-related disorder. Also called: SHANK3-related condition.

Submission:

PreventionGenetics, part of Exact Sciences
Classification: Benign for SHANK3-related condition. Last evaluated: 2019-04-09. Review status: criteria provided, single submitter. Criteria: ACMG Guidelines, 2015. Collection method: clinical testing. Allele origin: germline.
Comment: This variant is classified as benign based on ACMG/AMP sequence variant interpretation guidelines (Richards et al. 2015 PMID: 25741868, with internal and published modifications).

NM_001372044.2(SHANK3):c.1111-8C>T

Gene: SHANK3 (SH3 and multiple ankyrin repeat domains 3; plus strand).
Variant type: single nucleotide variant.
Coding change: c.1111-8C>T on transcript NM_001372044.2 (MANE Select); 8 bases into the intron before coding-DNA position 1111, C replaced by T.
Molecular consequence: intron variant.
Other names: c.886-8C>T (NM_033517.1).
Identifiers: ClinVar variation 3049652 (VCV003049652.1), dbSNP rs2521416317.